The following is an entry in ClinVar:

ClinVar aggregate classification (germline): Uncertain significance (1 of 4 stars; one submission).

Submission:

Labcorp Genetics (formerly Invitae), Labcorp
Classification: Uncertain significance. Last evaluated: 2021-11-24. Review status: criteria provided, single submitter. Criteria: Invitae Variant Classification Sherloc (09022015). Collection method: clinical testing. Allele origin: germline.
Comment: In summary, the available evidence is currently insufficient to determine the role of this variant in disease. Therefore, it has been classified as a Variant of Uncertain Significance. Algorithms developed to predict the effect of missense changes on protein structure and function (SIFT, PolyPhen-2, Align-GVGD) all suggest that this variant is likely to be tolerated. This variant has not been reported in the literature in individuals affected with CHRM2-related conditions. This variant is not present in population databases (gnomAD no frequency). This sequence change replaces threonine, which is neutral and polar, with proline, which is neutral and non-polar, at codon 331 of the CHRM2 protein (p.Thr331Pro).

NM_001006630.2(CHRM2):c.991A>C (p.Thr331Pro)

Genes: CHRM2 (cholinergic receptor muscarinic 2; plus strand), LOC349160 (uncharacterized LOC349160; minus strand). Cytogenetic location: 7q33.
Variant type: single nucleotide variant.
Coding change: c.991A>C on transcript NM_001006630.2 (MANE Select); coding-DNA position 991, A replaced by C.
Protein change: p.Thr331Pro; replaces threonine 331 with proline.
Molecular consequence: missense variant.
Genome position (GRCh38, 1-based): chr7:137,015,856, A>C. VCF-style: chr7-137015856-A-C. GRCh37 (hg19) VCF-style: chr7-136700603-A-C.
Other names: c.991A>C, p.Thr331Pro (NM_000739.3, NM_001006626.3, NM_001006627.3 and 6 more transcripts); short protein forms T331P.
Identifiers: ClinVar variation 1490789 (VCV001490789.6), dbSNP rs146328962, ClinGen allele CA369487730.